The following is an entry in ClinVar:

NM_001256789.3(CACNA1F):c.2000T>C (p.Phe667Ser)

Gene: CACNA1F (calcium voltage-gated channel subunit alpha1 F; minus strand). Cytogenetic location: Xp11.23.
Variant type: single nucleotide variant.
Coding change: c.2000T>C on transcript NM_001256789.3 (MANE Select); coding-DNA position 2000, T replaced by C.
Protein change: p.Phe667Ser; replaces phenylalanine 667 with serine.
Molecular consequence: missense variant.
Genome position (GRCh38, 1-based): chrX:49,223,014, A>G on the plus strand (T>C on the coding strand, the complement: CACNA1F is on the minus strand). VCF-style: chrX-49223014-A-G. GRCh37 (hg19) VCF-style: chrX-49079473-A-G.
Other names: c.1838T>C, p.Phe613Ser (NM_001256790.3); c.2033T>C, p.Phe678Ser (NM_005183.4); short protein forms F613S, F667S, F678S.
Identifiers: ClinVar variation 2701940 (VCV002701940.3), dbSNP rs2520968597, ClinGen allele CA412912120.

ClinVar aggregate classification (germline): Uncertain significance (1 of 4 stars; one submission).

Submission:

Labcorp Genetics (formerly Invitae), Labcorp
Classification: Uncertain significance. Last evaluated: 2023-12-09. Review status: criteria provided, single submitter. Criteria: Invitae Variant Classification Sherloc (09022015). Collection method: clinical testing. Allele origin: germline.
Comment: This sequence change replaces phenylalanine, which is neutral and non-polar, with serine, which is neutral and polar, at codon 678 of the CACNA1F protein (p.Phe678Ser). This variant is not present in population databases (gnomAD no frequency). This variant has not been reported in the literature in individuals affected with CACNA1F-related conditions. Advanced modeling of protein sequence and biophysical properties (such as structural, functional, and spatial information, amino acid conservation, physicochemical variation, residue mobility, and thermodynamic stability) performed at Invitae indicates that this missense variant is expected to disrupt CACNA1F protein function with a positive predictive value of 80%. In summary, the available evidence is currently insufficient to determine the role of this variant in disease. Therefore, it has been classified as a Variant of Uncertain Significance.